The following is an entry in ClinVar:

ClinVar aggregate classification (germline): Likely pathogenic (1 of 4 stars; one submission).

Conditions:
Autosomal recessive limb-girdle muscular dystrophy type 2J (LGMDR10). Also called: Limb-girdle muscular dystrophy, type 2J; MUSCULAR DYSTROPHY, LIMB-GIRDLE, AUTOSOMAL RECESSIVE 10. Identifiers: Orphanet 140922, MedGen C1837342, MONDO:0012127, OMIM 608807.
Dilated cardiomyopathy 1G (CMD1G). Identifiers: Orphanet 154, MedGen C1858763, MONDO:0011400, OMIM 604145.

Submission:

Labcorp Genetics (formerly Invitae), Labcorp
Classification: Likely pathogenic for Dilated cardiomyopathy 1G; Autosomal recessive limb-girdle muscular dystrophy type 2J. Last evaluated: 2024-10-18. Review status: criteria provided, single submitter. Criteria: Invitae Variant Classification Sherloc (09022015). Collection method: clinical testing. Allele origin: germline.
Comment: This sequence change creates a premature translational stop signal (p.Trp2740*) in the TTN gene. While this is not anticipated to result in nonsense mediated decay, it is expected to create a truncated TTN protein. This variant is not present in population databases (gnomAD no frequency). This variant has not been reported in the literature in individuals affected with TTN-related conditions. ClinVar contains an entry for this variant (Variation ID: 467543). This variant is located in the I band of TTN (PMID: 25589632). Truncating variants in this region have been reported in individuals affected with autosomal recessive centronuclear myopathy (PMID: 23975875, internal data). Truncating variants in this region have also been identified in individuals affected with autosomal dominant dilated cardiomyopathy and/or cardio-related conditions (PMID: 27869827, 32964742, internal data). In summary, the currently available evidence indicates that the variant is pathogenic, but additional data are needed to prove that conclusively. Therefore, this variant has been classified as Likely Pathogenic.

Literature cited by the submitters: PubMed 25589632; PubMed 23975875; PubMed 27869827; PubMed 32964742.

NM_001267550.2(TTN):c.8220G>A (p.Trp2740Ter)

Gene: TTN (titin; minus strand). Cytogenetic location: 2q31.2.
Variant type: single nucleotide variant.
Coding change: c.8220G>A on transcript NM_001267550.2 (MANE Select); coding-DNA position 8220, G replaced by A.
Protein change: p.Trp2740Ter; replaces tryptophan 2740 with a stop codon.
Molecular consequence: nonsense.
Genome position (GRCh38, 1-based): chr2:178,770,572, C>T on the plus strand (G>A on the coding strand, the complement: TTN is on the minus strand). VCF-style: chr2-178770572-C-T. GRCh37 (hg19) VCF-style: chr2-179635299-C-T.
Other names: c.8220G>A, p.Trp2740Ter (NM_001256850.1, NM_133378.4, NM_133379.5); c.8082G>A, p.Trp2694Ter (NM_003319.4, NM_133432.3, NM_133437.4); short protein forms W2740*, W2694*.
Identifiers: ClinVar variation 467543 (VCV000467543.9), dbSNP rs1553995639, ClinGen allele CA349677873.